The following is an entry in ClinVar:

NM_020699.4(GATAD2B):c.1702T>G (p.Leu568Val)

Gene: GATAD2B (GATA zinc finger domain containing 2B; minus strand). Cytogenetic location: 1q21.3.
Variant type: single nucleotide variant.
Coding change: c.1702T>G on transcript NM_020699.4 (MANE Select); coding-DNA position 1702, T replaced by G.
Protein change: p.Leu568Val; replaces leucine 568 with valine.
Molecular consequence: missense variant.
Genome position (GRCh38, 1-based): chr1:153,810,257, A>C on the plus strand (T>G on the coding strand, the complement: GATAD2B is on the minus strand). VCF-style: chr1-153810257-A-C. GRCh37 (hg19) VCF-style: chr1-153782733-A-C.
Other names: short protein forms L568V.
Identifiers: ClinVar variation 2780748 (VCV002780748.3), dbSNP rs1215780997, ClinGen allele CA342580425.
Genomic context (GRCh38, chr1:153,810,257, plus strand): 5'-ACTGCGATATAGACCGGGGAGGGATCATGTCTAAAAGGTATTCACGCTGTCGGTCTGCCA[A>C]ACTGGGGCCTTTGTGTCCTCCGATGCCAGTATTCAAGTATGCAATGTTGACACCTGGACC-3'
Protein context (NP_065750.1, residues 558-578): TGIGGHKGPS[Leu568Val]ADRQREYLLD

ClinVar aggregate classification (germline): Uncertain significance (1 of 4 stars; one submission).

Submission:

Labcorp Genetics (formerly Invitae), Labcorp
Classification: Uncertain significance. Last evaluated: 2023-08-08. Review status: criteria provided, single submitter. Criteria: Invitae Variant Classification Sherloc (09022015). Collection method: clinical testing. Allele origin: germline.
Comment: In summary, the available evidence is currently insufficient to determine the role of this variant in disease. Therefore, it has been classified as a Variant of Uncertain Significance. Advanced modeling of protein sequence and biophysical properties (such as structural, functional, and spatial information, amino acid conservation, physicochemical variation, residue mobility, and thermodynamic stability) performed at Invitae indicates that this missense variant is not expected to disrupt GATAD2B protein function. This variant has not been reported in the literature in individuals affected with GATAD2B-related conditions. This variant is present in population databases (no rsID available, gnomAD 0.0009%). This sequence change replaces leucine, which is neutral and non-polar, with valine, which is neutral and non-polar, at codon 568 of the GATAD2B protein (p.Leu568Val).